The following is an entry in ClinVar:

NM_025136.4(OPA3):c.94C>T (p.Arg32Cys)

Genes: OPA3 (outer mitochondrial membrane lipid metabolism regulator OPA3; minus strand), OPA3-RTN2 (OPA3-RTN2 readthrough; minus strand). Cytogenetic location: 19q13.32.
Variant type: single nucleotide variant.
Coding change: c.94C>T on transcript NM_025136.4 (MANE Select); coding-DNA position 94, C replaced by T.
Protein change: p.Arg32Cys; replaces arginine 32 with cysteine.
Molecular consequence: missense variant.
Genome position (GRCh38, 1-based): chr19:45,584,671, G>A on the plus strand (C>T on the coding strand, the complement: OPA3 is on the minus strand). VCF-style: chr19-45584671-G-A. GRCh37 (hg19) VCF-style: chr19-46087929-G-A.
Other names: c.94C>T, p.Arg32Cys (NM_001017989.3); short protein forms R32C.
Identifiers: ClinVar variation 1907373 (VCV001907373.5), dbSNP rs753632531, ClinGen allele CA406378457.

ClinVar aggregate classification (germline): Uncertain significance (1 of 4 stars; one submission).

Conditions:
Optic atrophy 3 (OPA3). Also called: Optic atrophy, cataract, and neurologic disorder; OPTIC ATROPHY 3, AUTOSOMAL DOMINANT; Optic atrophy 3 with cataract. Identifiers: Orphanet 67036, MedGen C1833809, MONDO:0008133, OMIM 165300.
3-Methylglutaconic aciduria type 3 (MGCA3). Also called: OPA3, AUTOSOMAL RECESSIVE; OPTIC ATROPHY 3, AUTOSOMAL RECESSIVE; OPA3-Related 3-Methylglutaconic Aciduria; Costeff Syndrome. Identifiers: Orphanet 67047, MedGen C0574084, MONDO:0009787, OMIM 258501.

gnomAD v4.1: 1 of 1,614,204 alleles (0.000062%); highest among the groups gnomAD compares: South Asian, 0.0011%; no homozygotes.

Submission:

Labcorp Genetics (formerly Invitae), Labcorp
Classification: Uncertain significance for 3-Methylglutaconic aciduria type 3; Optic atrophy 3. Last evaluated: 2025-03-12. Review status: criteria provided, single submitter. Criteria: Invitae Variant Classification Sherloc (09022015). Collection method: clinical testing. Allele origin: germline.
Comment: This sequence change replaces arginine, which is basic and polar, with cysteine, which is neutral and slightly polar, at codon 32 of the OPA3 protein (p.Arg32Cys). This variant is present in population databases (no rsID available, gnomAD 0.003%). This variant has not been reported in the literature in individuals affected with OPA3-related conditions. ClinVar contains an entry for this variant (Variation ID: 1907373). An algorithm developed to predict the effect of missense changes on protein structure and function (PolyPhen-2) suggests that this variant is likely to be disruptive. In summary, the available evidence is currently insufficient to determine the role of this variant in disease. Therefore, it has been classified as a Variant of Uncertain Significance.